The following is an entry in ClinVar:

ClinVar aggregate classification (germline): Uncertain significance (1 of 4 stars; one submission).

Conditions:
Inborn genetic diseases. Identifiers: MedGen C0950123, MeSH D030342.

Submission:

Ambry Genetics
Classification: Uncertain significance for Inborn genetic diseases. Last evaluated: 2022-02-28. Review status: criteria provided, single submitter. Criteria: Ambry Variant Classification Scheme 2023. Collection method: clinical testing. Allele origin: germline.
Comment: The c.5319+2T>C intronic variant results from a T to C substitution two nucleotides after coding exon 38 in the SBF2 gene. In silico splice site analysis predicts that this alteration will weaken the native splice donor site. Alterations that disrupt the canonical splice site are expected to cause aberrant splicing, resulting in an abnormal protein or a transcript that is subject to nonsense-mediated mRNA decay; however, +2T>C alterations are capable of generating wild-type transcripts in some genomic contexts and should be interpreted with caution (Lin JH et al. Hum Mutat. 2019 10;40:1856-1873). Since supporting evidence is limited at this time, the clinical significance of this alteration remains unclear.

NM_030962.4(SBF2):c.5319+2T>C

Genes: SBF2 (SET binding factor 2; minus strand), SBF2-AS1 (SBF2 antisense RNA 1; plus strand), LOC105369149 (uncharacterized LOC105369149; plus strand). Cytogenetic location: 11p15.4.
Variant type: single nucleotide variant.
Coding change: c.5319+2T>C on transcript NM_030962.4 (MANE Select); the canonical splice donor site of the intron after coding-DNA position 5319, T replaced by C.
Molecular consequence: splice donor variant.
Genome position (GRCh38, 1-based): chr11:9,784,349, A>G on the plus strand (T>C on the coding strand, the complement: SBF2 is on the minus strand). VCF-style: chr11-9784349-A-G. GRCh37 (hg19) VCF-style: chr11-9805896-A-G.
Other names: c.5190+2T>C (NM_001386342.1); c.5415+2T>C (NM_001386339.1).
Identifiers: ClinVar variation 1746793 (VCV001746793.2), dbSNP rs2494486428, ClinGen allele CA379631202.